The following is an entry in ClinVar:

NM_005359.6(SMAD4):c.1356T>C (p.Ala452=)

Gene: SMAD4 (SMAD family member 4; plus strand). Cytogenetic location: 18q21.2.
Variant type: single nucleotide variant.
Coding change: c.1356T>C on transcript NM_005359.6 (MANE Select); coding-DNA position 1356, T replaced by C.
Protein change: p.Ala452=; no amino-acid change (alanine 452 retained).
Molecular consequence: synonymous variant. On other transcripts: non-coding transcript variant (1).
Genome position (GRCh38, 1-based): chr18:51,076,685, T>C. VCF-style: chr18-51076685-T-C. GRCh37 (hg19) VCF-style: chr18-48603055-T-C.
Other names: c.1356T>C, p.Ala452= (NM_001407041.1, NM_001407042.1).
Identifiers: ClinVar variation 2020517 (VCV002020517.7), dbSNP rs2144473913, ClinGen allele CA503873834.
Genomic context (GRCh38, chr18:51,076,685, plus strand): 5'-TTTTTCTTAAAAGGTCTTTGATTTGCGTCAGTGTCATCGACAGATGCAGCAGCAGGCGGC[T>C]ACTGCACAAGCTGCAGCAGCTGCCCAGGCAGCAGCCGTGGCAGGAAACATCCCTGGCCCA-3'
Protein context (NP_005350.1, residues 442-462): QCHRQMQQQA[Ala452=]TAQAAAAAQA

ClinVar aggregate classification (germline): Benign/Likely benign. Review status: criteria provided, multiple submitters, no conflicts (2 of 4 stars). 4 submissions from 4 submitters: Benign (1); Likely benign (3). Last evaluated 2026-01-11.

Conditions:
SMAD4-related disorder. Also called: SMAD4-related condition; SMAD4-Related disorders.
Juvenile polyposis syndrome (JPS). Identifiers: Orphanet 2929, MedGen C0345893, MONDO:0017380, OMIM 174900.
Juvenile polyposis/hereditary hemorrhagic telangiectasia syndrome (JPHT). Also called: TELANGIECTASIA, HEREDITARY HEMORRHAGIC, WITH JUVENILE POLYPOSIS COLI; Juvenile Polyposis Syndrome / Hereditary Hemorrhagic Telangiectasia (JPS/HHT); JP/HHT SYNDROME; JUVENILE POLYPOSIS WITH HEREDITARY HEMORRHAGIC TELANGIECTASIA; POLYPOSIS, GENERALIZED JUVENILE, WITH PULMONARY ARTERIOVENOUS MALFORMATION. Identifiers: Orphanet 2929, MedGen C1832942, MONDO:0008278, OMIM 175050.
Familial thoracic aortic aneurysm and aortic dissection (TAAD). Also called: Thoracic aortic aneurysms and dissections. Identifiers: Orphanet 91387, MedGen C4707243, MONDO:0019625.
Hereditary cancer-predisposing syndrome. Also called: Tumor predisposition; Neoplastic Syndromes, Hereditary; Hereditary neoplastic syndrome; Hereditary Cancer Syndrome. Identifiers: Orphanet 140162, MedGen C0027672, MeSH D009386, MONDO:0015356.

Submissions (4):

PreventionGenetics, part of Exact Sciences
Classification: Likely benign for SMAD4-related condition. Last evaluated: 2026-01-11. Review status: criteria provided, single submitter. Criteria: ACMG Guidelines, 2015. Collection method: clinical testing. Allele origin: germline.
Comment: This variant is classified as likely benign based on ACMG/AMP sequence variant interpretation guidelines (Richards et al. 2015 PMID: 25741868, with internal and published modifications).

Ambry Genetics
Classification: Likely benign for Hereditary cancer-predisposing syndrome; Familial thoracic aortic aneurysm and aortic dissection. Last evaluated: 2025-11-04. Review status: criteria provided, single submitter. Criteria: Ambry Variant Classification Scheme 2023. Collection method: clinical testing. Allele origin: germline.

Myriad Genetics, Inc.
Classification: Benign for Juvenile polyposis/hereditary hemorrhagic telangiectasia syndrome. Last evaluated: 2025-03-21. Review status: criteria provided, single submitter. Criteria: Myriad Autosomal Dominant, Autosomal Recessive and X-Linked Classification Criteria (2023). Collection method: clinical testing. Allele origin: unknown.
Comment: This variant is considered benign. This variant is a silent/synonymous amino acid change and it is not expected to impact splicing.

Labcorp Genetics (formerly Invitae), Labcorp
Classification: Likely benign for Juvenile polyposis syndrome. Last evaluated: 2024-07-29. Review status: criteria provided, single submitter. Criteria: Invitae Variant Classification Sherloc (09022015). Collection method: clinical testing. Allele origin: germline.